The following is an entry in ClinVar:

NM_007294.4(BRCA1):c.2487del (p.Phe829fs)

Gene: BRCA1 (BRCA1 DNA repair associated; minus strand). Cytogenetic location: 17q21.31.
Variant type: Deletion.
Coding change: c.2487del on transcript NM_007294.4 (MANE Select); coding-DNA position 2487, one base deleted (T; older notation c.2487delT).
Protein change: p.Phe829fs; shifts the reading frame from phenylalanine 829.
Molecular consequence: frameshift variant. On other transcripts: intron variant (137).
Genome position (GRCh38, 1-based): chr17:43,093,044, A deleted on the plus strand (T on the coding strand, the reverse complement: BRCA1 is on the minus strand); the first of 3 consecutive A bases (chr17:43,093,044-43,093,046); deleting any one gives the same sequence. VCF-style (leftmost placement, unchanged base first): chr17-43093043-TA-T. GRCh37 (hg19) VCF-style: chr17-41245060-TA-T.
Other names: 2606delT; c.2487delT (NM_007294.3); c.2274del, p.Phe758fs (NM_001407571.1, NM_001407853.1, NM_001407894.1 and 9 more transcripts); c.2487del, p.Phe829fs (NM_001407581.1, NM_001407582.1, NM_001407583.1 and 30 more transcripts); c.2484del, p.Phe828fs (NM_001407587.1, NM_001407590.1, NM_001407591.1 and 22 more transcripts); c.2478del, p.Phe826fs (NM_001407646.1, NM_001407647.1); c.2364del, p.Phe788fs (NM_001407648.1, NM_001407664.1, NM_001407665.1 and 19 more transcripts); c.2361del, p.Phe787fs (NM_001407649.1, NM_001407670.1, NM_001407671.1 and 11 more transcripts); and 43 more; short protein forms F829fs, F782fs, F533fs, F661fs, F702fs, F718fs, F761fs, F762fs.
Identifiers: ClinVar variation 54584 (VCV000054584.6), dbSNP rs80357658, ClinGen allele CA001657.

ClinVar aggregate classification (germline): Pathogenic. Review status: reviewed by expert panel (3 of 4 stars). 5 submissions from 5 submitters: Pathogenic (1). 4 of the submissions do not count toward it. Last evaluated 2016-09-08.

Conditions:
Hereditary cancer-predisposing syndrome. Also called: Tumor predisposition; Neoplastic Syndromes, Hereditary; Hereditary Cancer Syndrome; Hereditary neoplastic syndrome. Identifiers: Orphanet 140162, MedGen C0027672, MeSH D009386, MONDO:0015356.
Hereditary breast ovarian cancer syndrome. Also called: Hereditary breast and ovarian cancer syndrome (HBOC); Hereditary breast and ovarian cancer syndrome; Hereditary breast and ovarian cancer; Hereditary breast and/or ovarian cancer syndrome; Breast and ovarian cancer; BRCA1- and BRCA2-Associated Hereditary Breast and Ovarian Cancer. Identifiers: Orphanet 145, MedGen C0677776, MeSH D061325, MONDO:0003582. Disease mechanism: loss of function.
Breast-ovarian cancer, familial, susceptibility to, 1 (BROVCA1). Also called: OVARIAN CANCER, SUSCEPTIBILITY TO; BRCA1 Hereditary Breast and Ovarian Cancer. Identifiers: Orphanet 145, MedGen C2676676, MONDO:0011450, OMIM 604370. Disease mechanism: loss of function.

Submissions (5):

Evidence-based Network for the Interpretation of Germline Mutant Alleles (ENIGMA)
Classification: Pathogenic for Breast-ovarian cancer, familial, susceptibility to, 1. Last evaluated: 2016-09-08. Review status: reviewed by expert panel. Criteria: ENIGMA BRCA1/2 Classification Criteria (2015). Collection method: curation. Allele origin: germline.
Comment: Variant allele predicted to encode a truncated non-functional protein.

Ambry Genetics
Classification: Pathogenic for Hereditary cancer-predisposing syndrome. Last evaluated: 2023-12-15. Review status: criteria provided, single submitter. Criteria: Ambry Variant Classification Scheme 2023. Collection method: clinical testing. Allele origin: germline. Not counted in ClinVar's aggregate classification.
Comment: The c.2487delT pathogenic mutation, located in coding exon 9 of the BRCA1 gene, results from a deletion of one nucleotide at nucleotide position 2487, causing a translational frameshift with a predicted alternate stop codon (p.F829Lfs*17). This variant has been identified amongst multiple cohorts of individuals with personal and/or family history of HBOC-associated cancers (Marroni F et al. Eur J Hum Genet, 2004 Nov;12:899-906; Finkelman BS et al. J Clin Oncol, 2012 Apr;30:1321-8; Cardoso FC et al. Hum Genomics, 2018 Aug;12:39). Of note, this alteration is also designated as 2606delT in the published literature. This variant is considered to be rare based on population cohorts in the Genome Aggregation Database (gnomAD). In addition to the clinical data presented in the literature, this alteration is expected to result in loss of function by premature protein truncation or nonsense-mediated mRNA decay. As such, this alteration is interpreted as a disease-causing mutation.

Consortium of Investigators of Modifiers of BRCA1/2 (CIMBA), c/o University of Cambridge
Classification: Pathogenic for Breast-ovarian cancer, familial, susceptibility to, 1. Last evaluated: 2015-10-02. Review status: criteria provided, single submitter. Criteria: CIMBA Mutation Classification guidelines May 2016. Collection method: clinical testing. Allele origin: germline. Not counted in ClinVar's aggregate classification.

Research Molecular Genetics Laboratory, Women's College Hospital, University of Toronto
Classification: Pathogenic for Hereditary breast ovarian cancer syndrome. Last evaluated: 2014-01-31. Review status: no assertion criteria provided. Collection method: research. Allele origin: germline. Affected: yes. Study: The Canadian Open Genetics Repository (COGR). Not counted in ClinVar's aggregate classification.

Breast Cancer Information Core (BIC) (BRCA1)
Classification: Pathogenic for Breast-ovarian cancer, familial 1. Review status: no assertion criteria provided. Collection method: clinical testing. Allele origin: germline. Affected: yes. Observed: 1 variant allele. Not counted in ClinVar's aggregate classification.

Literature cited by the submitters: PubMed 15340362 (cited by Ambry Genetics); PubMed 22430266 (cited by Ambry Genetics); PubMed 30103829 (cited by Ambry Genetics).